The following is an entry in ClinVar:

ClinVar aggregate classification (germline): Uncertain significance (1 of 4 stars; one submission).

Submission:

CeGaT Center for Human Genetics Tuebingen
Classification: Uncertain significance. Last evaluated: 2023-01-01. Review status: criteria provided, single submitter. Criteria: CeGaT Center For Human Genetics Tuebingen Variant Classification Criteria Version 2. Collection method: clinical testing. Allele origin: germline. Affected: yes. Observed: 1 variant allele.
Comment: SOX8: PM2

NM_014587.5(SOX8):c.665A>G (p.His222Arg)

Gene: SOX8 (SRY-box transcription factor 8; plus strand). Cytogenetic location: 16p13.3.
Variant type: single nucleotide variant.
Coding change: c.665A>G on transcript NM_014587.5 (MANE Select); coding-DNA position 665, A replaced by G.
Protein change: p.His222Arg; replaces histidine 222 with arginine.
Molecular consequence: missense variant.
Genome position (GRCh38, 1-based): chr16:984,710, A>G. VCF-style: chr16-984710-A-G. GRCh37 (hg19) VCF-style: chr16-1034710-A-G.
Other names: short protein forms H222R.
Identifiers: ClinVar variation 2645871 (VCV002645871.24), dbSNP rs2548426299, ClinGen allele CA394121893.
Genomic context (GRCh38, chr16:984,710, plus strand): 5'-CCGCCCCACAGAAGGGGCATTCATCCCTGAAGCCTGCTCTCCTGTCCCCAGGGCAGACCC[A>G]CGGGCCGCCCACCCCGCCCACCACCCCCAAGACGGAGCTGCAGCAGGCGGGCGCCAAGCC-3'
Protein context (NP_055402.2, residues 212-232): HHHGDHTGQT[His222Arg]GPPTPPTTPK